The following is an entry in ClinVar:

NM_004369.4(COL6A3):c.8375A>G (p.Asp2792Gly)

Gene: COL6A3 (collagen type VI alpha 3 chain; minus strand). Cytogenetic location: 2q37.3.
Variant type: single nucleotide variant.
Coding change: c.8375A>G on transcript NM_004369.4 (MANE Select); coding-DNA position 8375, A replaced by G.
Protein change: p.Asp2792Gly; replaces aspartic acid 2792 with glycine.
Molecular consequence: missense variant.
Genome position (GRCh38, 1-based): chr2:237,340,541, T>C on the plus strand (A>G on the coding strand, the complement: COL6A3 is on the minus strand). VCF-style: chr2-237340541-T-C. GRCh37 (hg19) VCF-style: chr2-238249184-T-C.
Other names: c.6554A>G, p.Asp2185Gly (NM_057166.5); c.7757A>G, p.Asp2586Gly (NM_057167.4); short protein forms D2792G, D2586G, D2185G.
Identifiers: ClinVar variation 290102 (VCV000290102.12), dbSNP rs886044347, ClinGen allele CA10606649.

ClinVar aggregate classification (germline): Uncertain significance. Review status: criteria provided, multiple submitters, no conflicts (2 of 4 stars). 2 submissions from 2 submitters: Uncertain significance (2). Last evaluated 2024-12-20.

Conditions:
Bethlem myopathy 1A. Also called: Bethlem Muscular Dystrophy; MYOPATHY, BENIGN CONGENITAL, WITH CONTRACTURES; Bethlem myopathy 1. Identifiers: Orphanet 610, MedGen CN029274, MONDO:0024530, OMIM 158810.

Allele frequency attached by ClinVar (database versions not stated): gnomAD 0.00001; gnomAD exomes 0.00001; TOPMed 0.00001.
gnomAD v4.1: 17 of 1,614,022 alleles (0.0011%); highest among the groups gnomAD compares: Non-Finnish European, 0.0014%; no homozygotes.

Submissions (2):

Labcorp Genetics (formerly Invitae), Labcorp
Classification: Uncertain significance for Bethlem myopathy 1A. Last evaluated: 2024-12-20. Review status: criteria provided, single submitter. Criteria: Invitae Variant Classification Sherloc (09022015). Collection method: clinical testing. Allele origin: germline.
Comment: This sequence change replaces aspartic acid, which is acidic and polar, with glycine, which is neutral and non-polar, at codon 2792 of the COL6A3 protein (p.Asp2792Gly). This variant is not present in population databases (gnomAD no frequency). This variant has not been reported in the literature in individuals affected with COL6A3-related conditions. ClinVar contains an entry for this variant (Variation ID: 290102). Invitae Evidence Modeling of protein sequence and biophysical properties (such as structural, functional, and spatial information, amino acid conservation, physicochemical variation, residue mobility, and thermodynamic stability) indicates that this missense variant is expected to disrupt COL6A3 protein function with a positive predictive value of 80%. In summary, the available evidence is currently insufficient to determine the role of this variant in disease. Therefore, it has been classified as a Variant of Uncertain Significance.

Eurofins Ntd Llc (ga)
Classification: Uncertain significance. Last evaluated: 2016-08-22. Review status: criteria provided, single submitter. Criteria: EGL Classification Definitions 2015. Collection method: clinical testing. Allele origin: germline. Observed: 1 variant allele, 1 heterozygote.